The following is an entry in ClinVar:

Conditions:
Arteriohepatic dysplasia. Also called: Alagille Syndrome. Identifiers: Orphanet 52, MedGen C0085280, MeSH D016738, MONDO:0007318.

Submission:

Gilbert/Spinner Lab, Children's Hospital of Philadelphia
No classification provided (evidence only). Condition: Alagille syndrome. Review status: no classification provided. Collection method: research. Allele origin: not applicable. Functional consequence: functionally_abnormal.
ClinVar note: "not provided" was previously submitted as the classification for the variant. However, the classification appeared to be based only on an observation of functional data so it was converted to no classification on 2025-07-30.

NM_000214.3(JAG1):c.336C>A (p.Ser112Arg)

Gene: JAG1 (jagged canonical Notch ligand 1; minus strand). Cytogenetic location: 20p12.2.
Variant type: single nucleotide variant.
Coding change: c.336C>A on transcript NM_000214.3 (MANE Select); coding-DNA position 336, C replaced by A.
Protein change: p.Ser112Arg; replaces serine 112 with arginine.
Molecular consequence: missense variant.
Genome position (GRCh38, 1-based): chr20:10,672,752, G>T on the plus strand (C>A on the coding strand, the complement: JAG1 is on the minus strand). VCF-style: chr20-10672752-G-T. GRCh37 (hg19) VCF-style: chr20-10653400-G-T.
Other names: short protein forms S112R.
Identifiers: ClinVar variation 3573271 (VCV003573271.2).
Genomic context (GRCh38, chr20:10,672,752, plus strand): 5'-GTCACTCACCGGCCAGGCGAAACTGAAAGGCAGCACGATGCGGTTGCGGTCGTTGCCGCG[G>T]CTGGCCTTGAGGTTGAAGGTGTTGCCCCCGATGACAGGCGTGGACCCTGAGCCGAAGCTG-3'
Protein context (NP_000205.1, residues 102-122): IGGNTFNLKA[Ser112Arg]RGNDRNRIVL